The following is an entry in ClinVar:

ClinVar aggregate classification (germline): Uncertain significance (1 of 4 stars; one submission).

Allele frequency attached by ClinVar (database versions not stated): gnomAD 0.00001; gnomAD exomes 0.00001.
gnomAD v4.1: 15 of 1,614,076 alleles (0.00093%); highest among the groups gnomAD compares: African/African-American, 0.0013%; no homozygotes.

Submission:

Labcorp Genetics (formerly Invitae), Labcorp
Classification: Uncertain significance. Last evaluated: 2025-11-27. Review status: criteria provided, single submitter. Criteria: Invitae Variant Classification Sherloc (09022015). Collection method: clinical testing. Allele origin: germline.
Comment: This sequence change replaces glutamic acid, which is acidic and polar, with lysine, which is basic and polar, at codon 436 of the MYCN protein (p.Glu436Lys). This variant is present in population databases (no rsID available, gnomAD 0.003%). This variant has not been reported in the literature in individuals affected with MYCN-related conditions. ClinVar contains an entry for this variant (Variation ID: 2873779). Invitae Evidence Modeling of protein sequence and biophysical properties (such as structural, functional, and spatial information, amino acid conservation, physicochemical variation, residue mobility, and thermodynamic stability) indicates that this missense variant is not expected to disrupt MYCN protein function with a negative predictive value of 95%. In summary, the available evidence is currently insufficient to determine the role of this variant in disease. Therefore, it has been classified as a Variant of Uncertain Significance.

NM_005378.6(MYCN):c.1306G>A (p.Glu436Lys)

Gene: MYCN (MYCN proto-oncogene, bHLH transcription factor; plus strand). Cytogenetic location: 2p24.3.
Variant type: single nucleotide variant.
Coding change: c.1306G>A on transcript NM_005378.6 (MANE Select); coding-DNA position 1306, G replaced by A.
Protein change: p.Glu436Lys; replaces glutamic acid 436 with lysine.
Molecular consequence: missense variant. On other transcripts: 3 prime UTR variant (1).
Genome position (GRCh38, 1-based): chr2:15,946,008, G>A. VCF-style: chr2-15946008-G-A. GRCh37 (hg19) VCF-style: chr2-16086130-G-A.
Other names: c.1306G>A, p.Glu436Lys (NM_001293228.2); c.673G>A, p.Glu225Lys (NM_001293231.2); c.*1241G>A (NM_001293233.2); short protein forms E436K, E225K.
Identifiers: ClinVar variation 2873779 (VCV002873779.3), dbSNP rs984467548, ClinGen allele CA43192497.